The following is an entry in ClinVar:

NM_000039.3(APOA1):c.127G>C (p.Val43Leu)

Genes: APOA1 (apolipoprotein A1; minus strand), APOA1-AS (APOA1 antisense RNA; plus strand). Cytogenetic location: 11q23.3.
Variant type: single nucleotide variant.
Coding change: c.127G>C on transcript NM_000039.3 (MANE Select); coding-DNA position 127, G replaced by C.
Protein change: p.Val43Leu; replaces valine 43 with leucine.
Molecular consequence: missense variant.
Genome position (GRCh38, 1-based): chr11:116,837,074, C>G on the plus strand (G>C on the coding strand, the complement: APOA1 is on the minus strand). VCF-style: chr11-116837074-C-G. GRCh37 (hg19) VCF-style: chr11-116707790-C-G.
Other names: c.127G>C, p.Val43Leu (NM_001318018.2, NM_001318017.2); c.-201G>C (NM_001318021.2); short protein forms V43L.
Identifiers: ClinVar variation 880419 (VCV000880419.5), dbSNP rs373545875, ClinGen allele CA229325261.

ClinVar aggregate classification (germline): Conflicting classifications of pathogenicity. Review status: criteria provided, conflicting classifications (1 of 4 stars). 4 submissions from 3 submitters: Uncertain significance (1); Likely benign (2). 1 of the submissions does not count toward it. Last evaluated 2024-09-12.

Conditions:
Familial visceral amyloidosis, Ostertag type (AMYLD2). Also called: Hereditary Renal Amyloidosis; Ostertag type amyloidosis; Familial visceral amyloidosis; Amyloidosis, hepatic and systemic; AMYLOIDOSIS, HEREDITARY SYSTEMIC 2; AMYLOIDOSIS VIII. Identifiers: Orphanet 85450, MedGen C0268389, MONDO:0007099, OMIM 105200.
Hypoalphalipoproteinemia, primary, 1. Identifiers: Orphanet 425, MedGen C5231558, MONDO:0011393, OMIM 604091.

gnomAD v4.1: 27 of 1,614,064 alleles (0.0017%); highest among the groups gnomAD compares: Non-Finnish European, 0.0021%; no homozygotes.

Submissions (4):

Blueprint Genetics
Classification: Uncertain significance. Last evaluated: 2024-09-12. Review status: criteria provided, single submitter. Criteria: ACMG Guidelines, 2015. Collection method: clinical testing. Allele origin: germline.

Illumina Laboratory Services, Illumina
Classification: Likely benign for Familial visceral amyloidosis, Ostertag type. Last evaluated: 2017-04-28. Review status: criteria provided, single submitter. Criteria: ICSL Variant Classification Criteria 13 December 2019. Collection method: clinical testing. Allele origin: germline.
Comment: This variant was observed as part of a predisposition screen in an ostensibly healthy population. A literature search was performed for the gene, cDNA change, and amino acid change (where applicable). No publications were found based on this search. Allele frequency data from public databases allowed determination this variant is unlikely to cause disease. Therefore, this variant is classified as likely benign.

Illumina Laboratory Services, Illumina
Classification: Likely benign for Hypoalphalipoproteinemia, primary, 1. Last evaluated: 2017-04-28. Review status: criteria provided, single submitter. Criteria: ICSL Variant Classification Criteria 13 December 2019. Collection method: clinical testing. Allele origin: germline.
Comment: This variant was observed as part of a predisposition screen in an ostensibly healthy population. A literature search was performed for the gene, cDNA change, and amino acid change (where applicable). Publications were found based on this search. The evidence from the literature, in combination with allele frequency data from public databases where available, was sufficient to determine this variant is unlikely to cause disease. Therefore, this variant is classified as likely benign.

OMIM
Classification: Uncertain significance for VARIANT OF UNKNOWN SIGNIFICANCE. Last evaluated: 2024-05-17. Review status: no assertion criteria provided. Collection method: literature only. Allele origin: germline. Not counted in ClinVar's aggregate classification.

Literature cited by the submitters: PubMed 27785680 (cited by Illumina Laboratory Services, Illumina); PubMed 27135400 (cited by Illumina Laboratory Services, Illumina and OMIM).